The following is an entry in ClinVar:

NM_000256.3(MYBPC3):c.2544G>T (p.Ala848=)

Gene: MYBPC3 (myosin binding protein C3; minus strand). Cytogenetic location: 11p11.2.
Variant type: single nucleotide variant.
Coding change: c.2544G>T on transcript NM_000256.3 (MANE Select); coding-DNA position 2544, G replaced by T.
Protein change: p.Ala848=; no amino-acid change (alanine 848 retained).
Molecular consequence: synonymous variant.
Genome position (GRCh38, 1-based): chr11:47,337,449, C>A on the plus strand (G>T on the coding strand, the complement: MYBPC3 is on the minus strand). VCF-style: chr11-47337449-C-A. GRCh37 (hg19) VCF-style: chr11-47359000-C-A.
Identifiers: ClinVar variation 2773717 (VCV002773717.6), dbSNP rs369904619, ClinGen allele CA474429560.

ClinVar aggregate classification (germline): Likely benign. Review status: criteria provided, multiple submitters, no conflicts (2 of 4 stars). 3 submissions from 3 submitters: Likely benign (2). 1 of the submissions does not count toward it. Last evaluated 2025-11-10.

Conditions:
MYBPC3-related disorder. Also called: MYBPC3-related disorders; MYBPC3-related condition; MYBPC3-related disease.
Cardiomyopathy (CMYO). Also called: Cardiomyopathies. Identifiers: Orphanet 167848, MedGen C0878544, MONDO:0004994, HP:0001638. Inheritance: Various modes of inheritance.
Hypertrophic cardiomyopathy. Also called: HYPERTROPHIC MYOCARDIOPATHY. Identifiers: Orphanet 217569, MedGen C0007194, MeSH D002312, MONDO:0005045, HP:0001639.

gnomAD v4.1: 4 of 1,612,680 alleles (0.00025%); highest among the groups gnomAD compares: South Asian, 0.0022%; no homozygotes.

Submissions (3):

Labcorp Genetics (formerly Invitae), Labcorp
Classification: Likely benign for Hypertrophic cardiomyopathy. Last evaluated: 2025-11-10. Review status: criteria provided, single submitter. Criteria: Invitae Variant Classification Sherloc (09022015). Collection method: clinical testing. Allele origin: germline.

Color Diagnostics, LLC DBA Color Health
Classification: Likely benign for Cardiomyopathy. Last evaluated: 2023-12-11. Review status: criteria provided, single submitter. Criteria: ACMG Guidelines, 2015. Collection method: clinical testing. Allele origin: germline.

PreventionGenetics, part of Exact Sciences
Classification: Likely benign for MYBPC3-related condition. Last evaluated: 2021-03-02. Review status: no assertion criteria provided. Collection method: clinical testing. Allele origin: germline. Not counted in ClinVar's aggregate classification.
Comment: This variant is classified as likely benign based on ACMG/AMP sequence variant interpretation guidelines (Richards et al. 2015 PMID: 25741868, with internal and published modifications).